The following is an entry in ClinVar:

NM_001079872.2(CUL4B):c.175G>A (p.Asp59Asn)

Genes: CUL4B (cullin 4B; minus strand), LOC113845788 (Sharpr-MPRA regulatory region 11856; plus strand). Cytogenetic location: Xq24.
Variant type: single nucleotide variant.
Coding change: c.175G>A on transcript NM_001079872.2 (MANE Select); coding-DNA position 175, G replaced by A.
Protein change: p.Asp59Asn; replaces aspartic acid 59 with asparagine.
Molecular consequence: missense variant.
Genome position (GRCh38, 1-based): chrX:120,560,464, C>T on the plus strand (G>A on the coding strand, the complement: CUL4B is on the minus strand). VCF-style: chrX-120560464-C-T. GRCh37 (hg19) VCF-style: chrX-119694319-C-T.
Other names: c.190G>A, p.Asp64Asn (NM_001330624.2); c.229G>A, p.Asp77Asn (NM_003588.4); short protein forms D59N, D64N, D77N.
Identifiers: ClinVar variation 1305051 (VCV001305051.4), dbSNP rs1925221145, ClinGen allele CA414205979.

ClinVar aggregate classification (germline): Uncertain significance. Review status: criteria provided, multiple submitters, no conflicts (2 of 4 stars). 2 submissions from 2 submitters: Uncertain significance (2). Last evaluated 2024-10-21.

Conditions:
CUL4B-related disorder. Also called: CUL4B-related condition.

Allele frequency attached by ClinVar (database versions not stated): TOPMed below 0.00001; gnomAD exomes 0.00001.
gnomAD v4.1: 9 of 1,210,229 alleles (0.00074%); highest among the groups gnomAD compares: Non-Finnish European, 0.001%; no homozygotes.

Submissions (2):

PreventionGenetics, part of Exact Sciences
Classification: Uncertain significance for CUL4B-related condition. Last evaluated: 2024-10-21. Review status: criteria provided, single submitter. Criteria: ACMG Guidelines, 2015. Collection method: clinical testing. Allele origin: germline.
Comment: The CUL4B c.229G>A variant is predicted to result in the amino acid substitution p.Asp77Asn. To our knowledge, this variant has not been reported in the literature or in a large population database (gnomAD), indicating this variant is rare. At this time, the clinical significance of this variant is uncertain due to the absence of conclusive functional and genetic evidence.

GeneDx
Classification: Uncertain significance. Last evaluated: 2022-08-29. Review status: criteria provided, single submitter. Criteria: GeneDx Variant Classification Process June 2021. Collection method: clinical testing. Allele origin: germline. Affected: yes.
Comment: Not observed in large population cohorts (gnomAD); In silico analysis, which includes protein predictors and evolutionary conservation, supports that this variant does not alter protein structure/function; Has not been previously published as pathogenic or benign to our knowledge